The following is an entry in ClinVar:

NM_153816.6(SNX14):c.1108G>T (p.Glu370Ter)

Gene: SNX14 (sorting nexin 14; minus strand). Cytogenetic location: 6q14.3.
Variant type: single nucleotide variant.
Coding change: c.1108G>T on transcript NM_153816.6 (MANE Select); coding-DNA position 1108, G replaced by T.
Protein change: p.Glu370Ter; replaces glutamic acid 370 with a stop codon.
Molecular consequence: nonsense. On other transcripts: non-coding transcript variant (5), intron variant (5), 5 prime UTR variant (1).
Genome position (GRCh38, 1-based): chr6:85,547,112, C>A on the plus strand (G>T on the coding strand, the complement: SNX14 is on the minus strand). VCF-style: chr6-85547112-C-A. GRCh37 (hg19) VCF-style: chr6-86256830-C-A.
Other names: c.1108G>T, p.Glu370Ter (NM_001297614.3, NM_001350540.2, NM_001350541.2); c.952G>T, p.Glu318Ter (NM_001304479.2); c.1171G>T, p.Glu391Ter (NM_001350532.2); c.1105G>T, p.Glu369Ter (NM_001350533.2, NM_001350534.2, NM_001350535.2); c.976G>T, p.Glu326Ter (NM_001350536.2, NM_020468.6); c.973G>T, p.Glu325Ter (NM_001350537.2); c.964G>T, p.Glu322Ter (NM_001350538.2); c.949G>T, p.Glu317Ter (NM_001350539.2); and 7 more; short protein forms E370*, E270*, E369*, E274*, E322*, E325*, E222*, E391*.
Identifiers: ClinVar variation 373031 (VCV000373031.12), dbSNP rs201128942, ClinGen allele CA3912223.

ClinVar aggregate classification (germline): Pathogenic. Review status: criteria provided, multiple submitters, no conflicts (2 of 4 stars). 5 submissions from 5 submitters: Pathogenic (5). Last evaluated 2025-12-18.

Conditions:
Autosomal recessive spinocerebellar ataxia 20. Identifiers: Orphanet 397709, MedGen C5190595, MONDO:0014601, OMIM 616354.

Allele frequency attached by ClinVar (database versions not stated): gnomAD exomes 0.00002 and 0.00005; ESP Exome Variant Server 0.00008; ExAC 0.00003; TOPMed 0.00005; gnomAD 0.00004.
gnomAD v4.1: 77 of 1,611,320 alleles (0.0048%); highest among the groups gnomAD compares: Non-Finnish European, 0.0063%; no homozygotes.

Submissions (5):

Laboratory of Human Genetics, Universidade de São Paulo
Classification: Pathogenic for Autosomal recessive spinocerebellar ataxia 20. Last evaluated: 2025-12-18. Review status: criteria provided, single submitter. Criteria: ACMG Guidelines, 2015. Collection method: research. Allele origin: biparental. Affected: yes.
Comment: Homozygous nonsense variant classified as pathogenic according to ACMG/AMP guidelines (PVS1, PM2, PP4).

Laboratorio de Genetica e Diagnostico Molecular, Hospital Israelita Albert Einstein
Classification: Pathogenic for Autosomal recessive spinocerebellar ataxia 20. Last evaluated: 2024-10-11. Review status: criteria provided, single submitter. Criteria: ACMG Guidelines, 2015. Collection method: clinical testing. Allele origin: germline. Affected: yes.
Comment: ACMG classification criteria: PVS1 very strong, PM2 supporting, PM3 strong

GeneDx
Classification: Pathogenic. Last evaluated: 2023-02-06. Review status: criteria provided, single submitter. Criteria: GeneDx Variant Classification Process June 2021. Collection method: clinical testing. Allele origin: germline. Affected: yes.
Comment: Identified in the compound heterozygous state with another SNX14 variant in a patient with early-onset epileptic encephalopathy in published literature (Tsuchida et al., 2018); Nonsense variant predicted to result in protein truncation or nonsense mediated decay in a gene for which loss-of-function is a known mechanism of disease; Not observed at significant frequency in large population cohorts (gnomAD); This variant is associated with the following publications: (PMID: 28940419, 36305856)

CENTOGENE GmbH and LLC - Guiding Precision Medicine
Classification: Pathogenic for Autosomal recessive spinocerebellar ataxia 20. Last evaluated: 2019-03-06. Review status: criteria provided, single submitter. Criteria: ACMG Guidelines, 2015. Collection method: clinical testing. Allele origin: germline. Affected: no.

Labcorp Genetics (formerly Invitae), Labcorp
Classification: Pathogenic. Last evaluated: 2017-11-22. Review status: criteria provided, single submitter. Criteria: Invitae Variant Classification Sherloc (09022015). Collection method: clinical testing. Allele origin: germline.
Comment: This sequence change creates a premature translational stop signal (p.Glu370*) in the SNX14 gene. It is expected to result in an absent or disrupted protein product. This variant is present in population databases (rs201128942, ExAC 0.005%). This variant has not been reported in the literature in individuals with SNX14-related disease. ClinVar contains an entry for this variant (Variation ID: 373031). Loss-of-function variants in SNX14 are known to be pathogenic (PMID: 25439728, 25848753). For these reasons, this variant has been classified as Pathogenic.

Literature cited by the submitters: PubMed 25439728 (cited by Labcorp Genetics (formerly Invitae), Labcorp); PubMed 25848753 (cited by Labcorp Genetics (formerly Invitae), Labcorp).